The following is an entry in ClinVar:

NM_058216.3(RAD51C):c.11A>G (p.Lys4Arg)

Gene: RAD51C (RAD51 paralog C; plus strand). Cytogenetic location: 17q22.
Variant type: single nucleotide variant.
Coding change: c.11A>G on transcript NM_058216.3 (MANE Select); coding-DNA position 11, A replaced by G.
Protein change: p.Lys4Arg; replaces lysine 4 with arginine.
Molecular consequence: missense variant. On other transcripts: non-coding transcript variant (2).
Genome position (GRCh38, 1-based): chr17:58,692,654, A>G. VCF-style: chr17-58692654-A-G. GRCh37 (hg19) VCF-style: chr17-56770015-A-G.
Other names: c.11A>G, p.Lys4Arg (NM_002876.4); short protein forms K4R.
Identifiers: ClinVar variation 1372954 (VCV001372954.6), dbSNP rs2047798678, ClinGen allele CA400336138.

ClinVar aggregate classification (germline): Uncertain significance (1 of 4 stars; one submission).

Conditions:
Fanconi anemia complementation group O. Also called: RAD51C-Related Fanconi Anemia. Identifiers: Orphanet 84, MedGen C3150653, MONDO:0013248, OMIM 613390.

Submission:

Labcorp Genetics (formerly Invitae), Labcorp
Classification: Uncertain significance for Fanconi anemia complementation group O. Last evaluated: 2024-10-09. Review status: criteria provided, single submitter. Criteria: Invitae Variant Classification Sherloc (09022015). Collection method: clinical testing. Allele origin: germline.
Comment: This sequence change replaces lysine, which is basic and polar, with arginine, which is basic and polar, at codon 4 of the RAD51C protein (p.Lys4Arg). This variant is not present in population databases (gnomAD no frequency). This variant has not been reported in the literature in individuals affected with RAD51C-related conditions. ClinVar contains an entry for this variant (Variation ID: 1372954). An algorithm developed to predict the effect of missense changes on protein structure and function outputs the following: PolyPhen-2: "Benign". The arginine amino acid residue is found in multiple mammalian species, which suggests that this missense change does not adversely affect protein function. In summary, the available evidence is currently insufficient to determine the role of this variant in disease. Therefore, it has been classified as a Variant of Uncertain Significance.